The following is an entry in ClinVar:

NM_000352.6(ABCC8):c.206del (p.Pro69fs)

Gene: ABCC8 (ATP binding cassette subfamily C member 8; minus strand). Cytogenetic location: 11p15.1.
Variant type: Deletion.
Coding change: c.206del on transcript NM_000352.6 (MANE Select); coding-DNA position 206, one base deleted (C; older notation c.206delC).
Protein change: p.Pro69fs; shifts the reading frame from proline 69.
Molecular consequence: frameshift variant. On other transcripts: non-coding transcript variant (1).
Genome position (GRCh38, 1-based): chr11:17,474,970, G deleted on the plus strand (C on the coding strand, the reverse complement: ABCC8 is on the minus strand); the first of 3 consecutive G bases (chr11:17,474,970-17,474,972); deleting any one gives the same sequence. VCF-style (leftmost placement, unchanged base first): chr11-17474969-AG-A. GRCh37 (hg19) VCF-style: chr11-17496516-AG-A.
Other names: c.206del, p.Pro69fs (NM_001287174.3, NM_001351295.2, NM_001351296.2 and 1 more transcripts); short protein forms P69fs.
Identifiers: ClinVar variation 1725469 (VCV001725469.2), dbSNP rs2496919200, ClinGen allele CA2580082775.
Genomic context (GRCh38, chr11:17,474,969, plus strand): 5'-AATCTCACACACCAGGACGAAGAGCAGCATGAAGGTCAGGATCCACCGCAGGTTGTGCCC[AG>A]GGAAATGAAGCCATGTGCTGTGGTGGATGTGCACCTTGGAGCTCTGACTTCCCCATCCTG-3'

ClinVar aggregate classification (germline): Likely pathogenic (1 of 4 stars; one submission).

Conditions:
Hyperinsulinemic hypoglycemia, familial, 1 (HHF1). Also called: HYPERINSULINISM, FAMILIAL, WITH PANCREATIC NESIDIOBLASTOSIS; HYPOGLYCEMIA, HYPERINSULINEMIC, OF INFANCY; NESIDIOBLASTOSIS OF PANCREAS; Persistent hyperinsulinemic hypoglycemia of infancy; Persistent Hyperinsulinemia Hypoglycemia of Infancy. Identifiers: Orphanet 276575, Orphanet 276598, MedGen C2931832, MONDO:0009734, OMIM 256450.

Submission:

Myriad Genetics, Inc.
Classification: Likely pathogenic for Hyperinsulinemic hypoglycemia, familial, 1. Last evaluated: 2021-12-03. Review status: criteria provided, single submitter. Criteria: Myriad Women's Health Autosomal Recessive and X-Linked Classification Criteria (2021). Collection method: clinical testing. Allele origin: unknown.
Comment: NM_000352.3(ABCC8):c.206delC(P69Lfs*9) is expected to be pathogenic in the context of familial hyperinsulinism, ABCC8-related. This variant is predicted to lead to an abnormal or absent protein product due to the creation of a premature termination codon in ABCC8, a gene where loss-of-function variants are known to be pathogenic. Please note: this variant was assessed in the context of healthy population screening.